The following is an entry in ClinVar:

ClinVar aggregate classification (germline): Uncertain significance (1 of 4 stars; one submission).

Conditions:
Proline dehydrogenase deficiency (HYRPRO1). Also called: Hyperprolinemia type 1; PROLINE OXIDASE DEFICIENCY. Identifiers: Orphanet 419, MedGen C0268529, MONDO:0009400, OMIM 239500.

Submission:

Labcorp Genetics (formerly Invitae), Labcorp
Classification: Uncertain significance for Proline dehydrogenase deficiency. Last evaluated: 2022-09-28. Review status: criteria provided, single submitter. Criteria: Invitae Variant Classification Sherloc (09022015). Collection method: clinical testing. Allele origin: germline.
Comment: This sequence change replaces alanine, which is neutral and non-polar, with threonine, which is neutral and polar, at codon 36 of the PRODH protein (p.Ala36Thr). This variant is not present in population databases (gnomAD no frequency). This variant has not been reported in the literature in individuals affected with PRODH-related conditions. Algorithms developed to predict the effect of missense changes on protein structure and function output the following: SIFT: "Tolerated"; PolyPhen-2: "Benign"; Align-GVGD: "Class C0". The threonine amino acid residue is found in multiple mammalian species, which suggests that this missense change does not adversely affect protein function. In summary, the available evidence is currently insufficient to determine the role of this variant in disease. Therefore, it has been classified as a Variant of Uncertain Significance.

NM_016335.6(PRODH):c.106G>A (p.Ala36Thr)

Gene: PRODH (proline dehydrogenase 1; minus strand). Cytogenetic location: 22q11.21.
Variant type: single nucleotide variant.
Coding change: c.106G>A on transcript NM_016335.6 (MANE Select); coding-DNA position 106, G replaced by A.
Protein change: p.Ala36Thr; replaces alanine 36 with threonine.
Molecular consequence: missense variant. On other transcripts: 5 prime UTR variant (1), intron variant (1).
Genome position (GRCh38, 1-based): chr22:18,936,182, C>T on the plus strand (G>A on the coding strand, the complement: PRODH is on the minus strand). VCF-style: chr22-18936182-C-T. GRCh37 (hg19) VCF-style: chr22-18923695-C-T.
Other names: c.-64G>A (NM_001368250.2); c.-52+208G>A (NM_001195226.2); short protein forms A36T.
Identifiers: ClinVar variation 2158332 (VCV002158332.3), dbSNP rs1485822357, ClinGen allele CA410654207.